The following is an entry in ClinVar:

NM_021973.3(HAND2):c.578T>C (p.Val193Ala)

Gene: HAND2 (heart and neural crest derivatives expressed 2; minus strand). Cytogenetic location: 4q34.1.
Variant type: single nucleotide variant.
Coding change: c.578T>C on transcript NM_021973.3 (MANE Select); coding-DNA position 578, T replaced by C.
Protein change: p.Val193Ala; replaces valine 193 with alanine.
Molecular consequence: missense variant.
Genome position (GRCh38, 1-based): chr4:173,527,353, A>G on the plus strand (T>C on the coding strand, the complement: HAND2 is on the minus strand). VCF-style: chr4-173527353-A-G. GRCh37 (hg19) VCF-style: chr4-174448504-A-G.
Other names: short protein forms V193A.
Identifiers: ClinVar variation 3663279 (VCV003663279.2).

ClinVar aggregate classification (germline): Uncertain significance (1 of 4 stars; one submission).

Submission:

Labcorp Genetics (formerly Invitae), Labcorp
Classification: Uncertain significance. Last evaluated: 2025-02-05. Review status: criteria provided, single submitter. Criteria: Invitae Variant Classification Sherloc (09022015). Collection method: clinical testing. Allele origin: germline.
Comment: This sequence change replaces valine, which is neutral and non-polar, with alanine, which is neutral and non-polar, at codon 193 of the HAND2 protein (p.Val193Ala). This variant is not present in population databases (gnomAD no frequency). This variant has not been reported in the literature in individuals affected with HAND2-related conditions. An algorithm developed to predict the effect of missense changes on protein structure and function (PolyPhen-2) suggests that this variant is likely to be tolerated. In summary, the available evidence is currently insufficient to determine the role of this variant in disease. Therefore, it has been classified as a Variant of Uncertain Significance.